The following is an entry in ClinVar:

NM_001174126.2(SLC11A2):c.1684G>A (p.Ala562Thr)

Genes: SLC11A2 (solute carrier family 11 member 2; minus strand), LOC129390458 (MPRA-validated peak1733 silencer; plus strand). Cytogenetic location: 12q13.12.
Variant type: single nucleotide variant.
Coding change: c.1684G>A on transcript NM_001174126.2; coding-DNA position 1684, G replaced by A.
Protein change: p.Ala562Thr; replaces alanine 562 with threonine.
Molecular consequence: missense variant. On other transcripts: 3 prime UTR variant (2), non-coding transcript variant (6).
Genome position (GRCh38, 1-based): chr12:50,981,749, C>T on the plus strand (G>A on the coding strand, the complement: SLC11A2 is on the minus strand). VCF-style: chr12-50981749-C-T. GRCh37 (hg19) VCF-style: chr12-51375532-C-T.
Other names: c.1684G>A, p.Ala562Thr (NM_001174127.2, NM_001379447.2); c.1771G>A, p.Ala591Thr (NM_001379446.1); c.1672G>A, p.Ala558Thr (NM_001379448.1); c.*80G>A (NM_001414744.1, NM_001414746.1); c.1573G>A, p.Ala525Thr (NM_001414747.1); short protein forms A525T, A558T, A562T, A591T.
Identifiers: ClinVar variation 4535464 (VCV004535464.7).

ClinVar aggregate classification (germline): Likely benign. Review status: criteria provided, multiple submitters, no conflicts (2 of 4 stars). 2 submissions from 2 submitters: Likely benign (2). Last evaluated 2025-10-01.

gnomAD v4.1: 405 of 1,535,588 alleles (0.026%); highest among the groups gnomAD compares: Middle Eastern, 0.87%; 3 homozygotes.

Submissions (2):

CeGaT Center for Human Genetics Tuebingen
Classification: Likely benign. Last evaluated: 2025-10-01. Review status: criteria provided, single submitter. Criteria: CeGaT Center For Human Genetics Tuebingen Variant Classification Criteria Version 2. Collection method: clinical testing. Allele origin: germline. Affected: yes. Observed: 1 variant allele.
Comment: SLC11A2: BP4

Blueprint Genetics
Classification: Likely benign. Last evaluated: 2024-11-27. Review status: criteria provided, single submitter. Criteria: ACMG Guidelines, 2015. Collection method: clinical testing. Allele origin: germline.